The following is an entry in ClinVar:

ClinVar aggregate classification (germline): Likely benign (0 of 4 stars; one submission).

Conditions:
PLXNB3-related disorder. Also called: PLXNB3-related condition.

Allele frequency attached by ClinVar (database versions not stated): gnomAD exomes 0.00015; ExAC 0.00055; gnomAD 0.00097; ESP Exome Variant Server 0.00104; TOPMed 0.00115; 1000 Genomes Project 0.00132; 1000 Genomes Project 30x 0.00146.
gnomAD v4.1: 276 of 1,209,908 alleles (0.023%); highest among the groups gnomAD compares: African/African-American, 0.4%; no homozygotes.

Submission:

PreventionGenetics, part of Exact Sciences
Classification: Likely benign for PLXNB3-related condition. Last evaluated: 2022-05-25. Review status: no assertion criteria provided. Collection method: clinical testing. Allele origin: germline.
Comment: This variant is classified as likely benign based on ACMG/AMP sequence variant interpretation guidelines (Richards et al. 2015 PMID: 25741868, with internal and published modifications).

NM_005393.3(PLXNB3):c.5491C>T (p.Arg1831Cys)

Gene: PLXNB3 (plexin B3; plus strand). Cytogenetic location: Xq28.
Variant type: single nucleotide variant.
Coding change: c.5491C>T on transcript NM_005393.3 (MANE Select); coding-DNA position 5491, C replaced by T.
Protein change: p.Arg1831Cys; replaces arginine 1831 with cysteine.
Molecular consequence: missense variant.
Genome position (GRCh38, 1-based): chrX:153,778,412, C>T. VCF-style: chrX-153778412-C-T. GRCh37 (hg19) VCF-style: chrX-153043867-C-T.
Other names: c.5560C>T, p.Arg1854Cys (NM_001163257.2); short protein forms R1831C, R1854C.
Identifiers: ClinVar variation 3053780 (VCV003053780.2), dbSNP rs146644526, ClinGen allele CA10551954.